The following is an entry in ClinVar:

ClinVar aggregate classification (germline): Uncertain significance (1 of 4 stars; one submission).

Submission:

Ambry Genetics
Classification: Uncertain significance. Last evaluated: 2025-08-02. Review status: criteria provided, single submitter. Criteria: Ambry Variant Classification Scheme 2023. Collection method: clinical testing. Allele origin: germline.
Comment: The p.P587S variant (also known as c.1759C>T), located in coding exon 7 of the WNK2 gene, results from a C to T substitution at nucleotide position 1759. The proline at codon 587 is replaced by serine, an amino acid with similar properties. This amino acid position is conserved. In addition, this alteration is predicted to be tolerated by in silico analysis. Based on the available evidence, the clinical significance of this variant remains unclear.

NM_006648.4(WNK2):c.1759C>T (p.Pro587Ser)

Gene: WNK2 (WNK lysine deficient protein kinase 2; plus strand). Cytogenetic location: 9q22.31.
Variant type: single nucleotide variant.
Coding change: c.1759C>T on transcript NM_006648.4 (MANE Select); coding-DNA position 1759, C replaced by T.
Protein change: p.Pro587Ser; replaces proline 587 with serine.
Molecular consequence: missense variant.
Genome position (GRCh38, 1-based): chr9:93,247,759, C>T. VCF-style: chr9-93247759-C-T. GRCh37 (hg19) VCF-style: chr9-96010041-C-T.
Other names: c.1759C>T, p.Pro587Ser (NM_001282394.3); short protein forms P587S.
Identifiers: ClinVar variation 4201697 (VCV004201697.1).